The following is an entry in ClinVar:

NM_138477.4(CDAN1):c.1791_1792delinsTCTTGCCCTGGCTTGAAGA (p.Glu597_Leu598delinsAspLeuAlaLeuAlaTer)

Gene: CDAN1 (codanin 1; minus strand). Cytogenetic location: 15q15.2.
Variant type: Indel.
Coding change: c.1791_1792delinsTCTTGCCCTGGCTTGAAGA on transcript NM_138477.4 (MANE Select); coding-DNA positions 1791 to 1792, GC replaced by TCTTGCCCTGGCTTGAAGA.
Protein change: p.Glu597_Leu598delinsAspLeuAlaLeuAlaTer.
Molecular consequence: nonsense.
Genome position (GRCh38, 1-based): chr15:42,731,279-42,731,280, GC replaced by TCTTCAAGCCAGGGCAAGA on the plus strand (GC replaced by TCTTGCCCTGGCTTGAAGA on the coding strand, the reverse complement: CDAN1 is on the minus strand). VCF-style: chr15-42731279-GC-TCTTCAAGCCAGGGCAAGA. GRCh37 (hg19) VCF-style: chr15-43023477-GC-TCTTCAAGCCAGGGCAAGA.
Identifiers: ClinVar variation 4081236 (VCV004081236.9).

ClinVar aggregate classification (germline): Pathogenic/Likely pathogenic. Review status: criteria provided, multiple submitters, no conflicts (2 of 4 stars). 2 submissions from 2 submitters: Pathogenic (1); Likely pathogenic (1). Last evaluated 2025-08-01.

Conditions:
Anemia, congenital dyserythropoietic, type 1a (CDAN1A). Also called: CDAN1-Related Congenital Dyserythropoietic Anemia; DYSERYTHROPOIETIC ANEMIA, CONGENITAL, TYPE Ia. Identifiers: MedGen C5574667, MONDO:0009135, OMIM 224120.

Submissions (2):

CeGaT Center for Human Genetics Tuebingen
Classification: Pathogenic. Last evaluated: 2025-08-01. Review status: criteria provided, single submitter. Criteria: CeGaT Center For Human Genetics Tuebingen Variant Classification Criteria Version 2. Collection method: clinical testing. Allele origin: germline. Affected: yes. Observed: 1 variant allele.
Comment: CDAN1: PVS1, PM2

Revvity Omics, Revvity
Classification: Likely pathogenic for Anemia, congenital dyserythropoietic, type 1a. Last evaluated: 2024-05-24. Review status: criteria provided, single submitter. Criteria: ACMG Guidelines, 2015. Collection method: clinical testing. Allele origin: germline.